The following is an entry in ClinVar:

ClinVar aggregate classification (germline): Uncertain significance (1 of 4 stars; one submission).

gnomAD v4.1: 2 of 1,551,476 alleles (0.00013%); highest among the groups gnomAD compares: Non-Finnish European, 0.00017%; no homozygotes.

Submission:

Labcorp Genetics (formerly Invitae), Labcorp
Classification: Uncertain significance. Last evaluated: 2021-12-22. Review status: criteria provided, single submitter. Criteria: Invitae Variant Classification Sherloc (09022015). Collection method: clinical testing. Allele origin: germline.
Comment: This sequence change replaces aspartic acid, which is acidic and polar, with tyrosine, which is neutral and polar, at codon 417 of the DTHD1 protein (p.Asp417Tyr). This variant is not present in population databases (gnomAD no frequency). This variant has not been reported in the literature in individuals affected with DTHD1-related conditions. Algorithms developed to predict the effect of missense changes on protein structure and function are either unavailable or do not agree on the potential impact of this missense change (SIFT: "Deleterious"; PolyPhen-2: "Probably Damaging"; Align-GVGD: "Class C0"). In summary, the available evidence is currently insufficient to determine the role of this variant in disease. Therefore, it has been classified as a Variant of Uncertain Significance.

NM_001170700.3(DTHD1):c.2119G>T (p.Asp707Tyr)

Gene: DTHD1 (death domain containing 1; plus strand). Cytogenetic location: 4p14.
Variant type: single nucleotide variant.
Coding change: c.2119G>T on transcript NM_001170700.3 (MANE Select); coding-DNA position 2119, G replaced by T.
Protein change: p.Asp707Tyr; replaces aspartic acid 707 with tyrosine.
Molecular consequence: missense variant. On other transcripts: non-coding transcript variant (2).
Genome position (GRCh38, 1-based): chr4:36,316,265, G>T. VCF-style: chr4-36316265-G-T. GRCh37 (hg19) VCF-style: chr4-36317887-G-T.
Other names: c.1249G>T, p.Asp417Tyr (NM_001136536.5); c.1186G>T, p.Asp396Tyr (NM_001378435.1); short protein forms D417Y, D396Y, D707Y.
Identifiers: ClinVar variation 1373033 (VCV001373033.6), dbSNP rs376420804, ClinGen allele CA356681351.